The following is an entry in ClinVar:

NM_002292.4(LAMB2):c.1937G>A (p.Gly646Glu)

Gene: LAMB2 (laminin subunit beta 2; minus strand). Cytogenetic location: 3p21.31.
Variant type: single nucleotide variant.
Coding change: c.1937G>A on transcript NM_002292.4 (MANE Select); coding-DNA position 1937, G replaced by A.
Protein change: p.Gly646Glu; replaces glycine 646 with glutamic acid.
Molecular consequence: missense variant.
Genome position (GRCh38, 1-based): chr3:49,128,539, C>T on the plus strand (G>A on the coding strand, the complement: LAMB2 is on the minus strand). VCF-style: chr3-49128539-C-T. GRCh37 (hg19) VCF-style: chr3-49165972-C-T.
Other names: short protein forms G646E.
Identifiers: ClinVar variation 1723661 (VCV001723661.8), dbSNP rs773609162, ClinGen allele CA2394450.

ClinVar aggregate classification (germline): Uncertain significance. Review status: criteria provided, multiple submitters, no conflicts (2 of 4 stars). 3 submissions from 3 submitters: Uncertain significance (3). Last evaluated 2025-11-26.

Conditions:
Inborn genetic diseases. Identifiers: MedGen C0950123, MeSH D030342.
Pierson syndrome. Also called: MICROCORIA-CONGENITAL NEPHROTIC SYNDROME. Identifiers: Orphanet 2670, MedGen C1836876, MONDO:0012184, OMIM 609049.
LAMB2-related infantile-onset nephrotic syndrome. Also called: NEPHROTIC SYNDROME, TYPE 5, WITHOUT OCULAR ABNORMALITIES; NEPHROTIC SYNDROME, TYPE 5, WITH OCULAR ABNORMALITIES; Nephrotic Syndrome, type 5. Identifiers: Orphanet 306507, MedGen C3280113, MONDO:0013621, OMIM 614199.

Allele frequency attached by ClinVar (database versions not stated): ExAC 0.00001; gnomAD exomes 0.00001; gnomAD 0.00005; TOPMed 0.00005.
gnomAD v4.1: 16 of 1,614,062 alleles (0.00099%); highest among the groups gnomAD compares: African/African-American, 0.021%; no homozygotes.

Submissions (3):

Ambry Genetics
Classification: Uncertain significance for Inborn genetic diseases. Last evaluated: 2025-11-26. Review status: criteria provided, single submitter. Criteria: Ambry Variant Classification Scheme 2023. Collection method: clinical testing. Allele origin: germline.

Labcorp Genetics (formerly Invitae), Labcorp
Classification: Uncertain significance for LAMB2-related infantile-onset nephrotic syndrome; Pierson syndrome. Last evaluated: 2022-07-06. Review status: criteria provided, single submitter. Criteria: Invitae Variant Classification Sherloc (09022015). Collection method: clinical testing. Allele origin: germline.
Comment: In summary, the available evidence is currently insufficient to determine the role of this variant in disease. Therefore, it has been classified as a Variant of Uncertain Significance. Algorithms developed to predict the effect of missense changes on protein structure and function are either unavailable or do not agree on the potential impact of this missense change (SIFT: "Deleterious"; PolyPhen-2: "Possibly Damaging"; Align-GVGD: "Class C15"). This variant has not been reported in the literature in individuals affected with LAMB2-related conditions. This variant is present in population databases (rs773609162, gnomAD 0.02%). This sequence change replaces glycine, which is neutral and non-polar, with glutamic acid, which is acidic and polar, at codon 646 of the LAMB2 protein (p.Gly646Glu).

GeneDx
Classification: Uncertain significance. Last evaluated: 2022-05-10. Review status: criteria provided, single submitter. Criteria: GeneDx Variant Classification Process June 2021. Collection method: clinical testing. Allele origin: germline. Affected: yes.
Comment: In silico analysis supports that this missense variant has a deleterious effect on protein structure/function; Has not been previously published as pathogenic or benign to our knowledge